The following is an entry in ClinVar:

ClinVar aggregate classification (germline): Benign (1 of 4 stars; one submission).

Allele frequency attached by ClinVar (database versions not stated): 1000 Genomes Project 30x 0.20440; 1000 Genomes Project 0.21046; TOPMed 0.19130; gnomAD 0.19799.
gnomAD v4.1: 295,093 of 1,250,614 alleles (24%); highest among the groups gnomAD compares: South Asian, 30%; 36,751 homozygotes.

Submissions (5):

Unidad de Genómica Garrahan, Hospital de Pediatría Garrahan
Classification: Benign. Last evaluated: 2024-01-24. Review status: criteria provided, single submitter. Criteria: ACMG Guidelines, 2015. Collection method: clinical testing. Allele origin: germline. Affected: no. Observed: 21 variant alleles.
Comment: This variant is classified as Benign based on local population frequency. This variant was detected in 22% of patients studied by a panel of primary immunodeficiencies. Number of patients: 21. Only high quality variants are reported.

Dr. Peter K. Rogan Lab, Western University
No classification provided (evidence only). Condition: Malignant lymphoma, large B-cell, diffuse. Review status: no classification provided. Collection method: in vitro. Allele origin: not applicable. Functional consequence: retained intron. Not counted in ClinVar's aggregate classification.

Dr. Peter K. Rogan Lab, Western University
No classification provided (evidence only). Condition: Malignant lymphoma, large B-cell, diffuse. Review status: no classification provided. Collection method: in vitro. Allele origin: not applicable. Functional consequence: retained intron. Not counted in ClinVar's aggregate classification.

Dr. Peter K. Rogan Lab, Western University
No classification provided (evidence only). Condition: Malignant lymphoma, large B-cell, diffuse. Review status: no classification provided. Collection method: in vitro. Allele origin: not applicable. Functional consequence: retained intron. Not counted in ClinVar's aggregate classification.

Dr. Peter K. Rogan Lab, Western University
No classification provided (evidence only). Condition: Malignant lymphoma, large B-cell, diffuse. Review status: no classification provided. Collection method: in vitro. Allele origin: not applicable. Functional consequence: retained intron. Not counted in ClinVar's aggregate classification.

NM_004946.3(DOCK2):c.321+87C>T

Gene: DOCK2 (dedicator of cytokinesis 2; plus strand). Cytogenetic location: 5q35.1.
Variant type: single nucleotide variant.
Coding change: c.321+87C>T on transcript NM_004946.3 (MANE Select); 87 bases into the intron after coding-DNA position 321, C replaced by T.
Molecular consequence: intron variant.
Genome position (GRCh38, 1-based): chr5:169,671,261, C>T. VCF-style: chr5-169671261-C-T. GRCh37 (hg19) VCF-style: chr5-169098265-C-T.
Other names: NC_000005.9:g.169098265C>T.
Identifiers: ClinVar variation 2688329 (VCV002688329.3), dbSNP rs12656761, ClinGen allele CA12125742.